The following is an entry in ClinVar:

ClinVar aggregate classification (germline): Uncertain significance (1 of 4 stars; one submission).

gnomAD v4.1: 1 of 1,210,859 alleles (0.000083%); highest among the groups gnomAD compares: African/African-American, 0.0017%; no homozygotes.

Submission:

Women's Health and Genetics/Laboratory Corporation of America, LabCorp
Classification: Uncertain significance. Last evaluated: 2026-04-01. Review status: criteria provided, single submitter. Criteria: LabCorp Variant Classification Summary - May 2015. Collection method: clinical testing. Allele origin: germline.
Comment: Variant summary: F8 c.6806C>A (p.Ser2269Tyr) results in a non-conservative amino acid change in the encoded protein sequence. Algorithms developed to predict the effect of missense changes on protein structure and function all suggest that this variant is likely to be disruptive. The variant was absent in 183362 control chromosomes (gnomAD). The available data on variant occurrences in the general population are insufficient to allow any conclusion about variant significance. c.6806C>A has been observed in one individual affected with Factor VIII Deficiency (Hemophilia A) (Johnsen_2022). The report does not provide unequivocal conclusions about association of the variant with Factor VIII Deficiency (Hemophilia A). To our knowledge, no experimental evidence demonstrating an impact on protein function has been reported. The following publication have been ascertained in the context of this evaluation (PMID: 35770352). No submitters have cited clinical-significance assessments for this variant to ClinVar. Based on the evidence outlined above, the variant was classified as uncertain significance.

Literature cited by the submitters: PubMed 35770352.

NM_000132.4(F8):c.6806C>A (p.Ser2269Tyr)

Gene: F8 (coagulation factor VIII; minus strand). Cytogenetic location: Xq28.
Variant type: single nucleotide variant.
Coding change: c.6806C>A on transcript NM_000132.4 (MANE Select); coding-DNA position 6806, C replaced by A.
Protein change: p.Ser2269Tyr; replaces serine 2269 with tyrosine.
Molecular consequence: missense variant.
Genome position (GRCh38, 1-based): chrX:154,860,526, G>T on the plus strand (C>A on the coding strand, the complement: F8 is on the minus strand). VCF-style: chrX-154860526-G-T. GRCh37 (hg19) VCF-style: chrX-154088801-G-T.
Other names: c.401C>A, p.Ser134Tyr (NM_019863.3); short protein forms S134Y, S2269Y.
Identifiers: ClinVar variation 4848982 (VCV004848982.1).